The following is an entry in ClinVar:

ClinVar aggregate classification (germline): Pathogenic (1 of 4 stars; one submission).

Submission:

GeneDx
Classification: Pathogenic. Last evaluated: 2017-09-02. Review status: criteria provided, single submitter. Criteria: GeneDx Variant Classification (06012015). Collection method: clinical testing. Allele origin: germline. Affected: yes.
Comment: The E1178X variant in the NEK1 gene has not been published as a pathogenic variant, nor has it been reported as a benign variant to our knowledge. This nonsense variant is predicted to cause loss of normal protein function either through protein truncation or nonsense-mediated mRNA decay. The E1178X variant is not observed in large population cohorts (Lek et al., 2016; 1000 Genomes Consortium et al., 2015; Exome Variant Server).

NM_001199397.3(NEK1):c.3616G>T (p.Glu1206Ter)

Gene: NEK1 (NIMA related kinase 1; minus strand). Cytogenetic location: 4q33.
Variant type: single nucleotide variant.
Coding change: c.3616G>T on transcript NM_001199397.3 (MANE Select); coding-DNA position 3616, G replaced by T.
Protein change: p.Glu1206Ter; replaces glutamic acid 1206 with a stop codon.
Molecular consequence: nonsense. On other transcripts: non-coding transcript variant (1).
Genome position (GRCh38, 1-based): chr4:169,400,619, C>A on the plus strand (G>T on the coding strand, the complement: NEK1 is on the minus strand). VCF-style: chr4-169400619-C-A. GRCh37 (hg19) VCF-style: chr4-170321770-C-A.
Other names: c.3484G>T, p.Glu1162Ter (NM_001199398.3); c.3325G>T, p.Glu1109Ter (NM_001199399.3); c.3400G>T, p.Glu1134Ter (NM_001199400.3); c.3616G>T, p.Glu1206Ter (NM_001374418.1); c.3532G>T, p.Glu1178Ter (NM_001374419.1, NM_012224.4); c.3481G>T, p.Glu1161Ter (NM_001374420.1); c.3133G>T, p.Glu1045Ter (NM_001374421.1); short protein forms E1178*, E1206*, E1109*, E1134*, E1162*, E1045*, E1161*.
Identifiers: ClinVar variation 451873 (VCV000451873.2), dbSNP rs1554020563, ClinGen allele CA358800181.